The following is an entry in ClinVar:

NM_000057.4(BLM):c.660G>C (p.Leu220Phe)

Gene: BLM (BLM RecQ like helicase; plus strand). Cytogenetic location: 15q26.1.
Variant type: single nucleotide variant.
Coding change: c.660G>C on transcript NM_000057.4 (MANE Select); coding-DNA position 660, G replaced by C.
Protein change: p.Leu220Phe; replaces leucine 220 with phenylalanine.
Molecular consequence: missense variant. On other transcripts: 5 prime UTR variant (1).
Genome position (GRCh38, 1-based): chr15:90,749,928, G>C. VCF-style: chr15-90749928-G-C. GRCh37 (hg19) VCF-style: chr15-91293158-G-C.
Other names: c.660G>C, p.Leu220Phe (NM_001287246.2, NM_001287247.2); c.-632G>C (NM_001287248.2); short protein forms L220F.
Identifiers: ClinVar variation 4827208 (VCV004827208.1).

ClinVar aggregate classification (germline): Uncertain significance (1 of 4 stars; one submission).

Conditions:
Hereditary cancer-predisposing syndrome. Also called: Neoplastic Syndromes, Hereditary; Tumor predisposition; Hereditary Cancer Syndrome; Hereditary neoplastic syndrome. Identifiers: Orphanet 140162, MedGen C0027672, MeSH D009386, MONDO:0015356.

Submission:

Ambry Genetics
Classification: Uncertain significance for Hereditary cancer-predisposing syndrome. Last evaluated: 2026-03-06. Review status: criteria provided, single submitter. Criteria: Ambry Variant Classification Scheme 2023. Collection method: clinical testing. Allele origin: germline.
Comment: The p.L220F variant (also known as c.660G>C), located in coding exon 2 of the BLM gene, results from a G to C substitution at nucleotide position 660. The leucine at codon 220 is replaced by phenylalanine, an amino acid with highly similar properties. This amino acid position is conserved. In addition, this alteration is predicted to be tolerated by in silico analysis. Based on the available evidence, the clinical significance of this variant remains unclear.